The following is an entry in ClinVar:

NM_018051.5(DYNC2I1):c.1194A>G (p.Glu398=)

Gene: DYNC2I1 (dynein 2 intermediate chain 1; plus strand). Cytogenetic location: 7q36.3.
Variant type: single nucleotide variant.
Coding change: c.1194A>G on transcript NM_018051.5 (MANE Select); coding-DNA position 1194, A replaced by G.
Protein change: p.Glu398=; no amino-acid change (glutamic acid 398 retained).
Molecular consequence: synonymous variant. On other transcripts: 5 prime UTR variant (3).
Genome position (GRCh38, 1-based): chr7:158,902,432, A>G. VCF-style: chr7-158902432-A-G. GRCh37 (hg19) VCF-style: chr7-158695123-A-G.
Other names: c.1056A>G, p.Glu352= (NM_001350914.2); c.621A>G, p.Glu207= (NM_001350915.2); c.-165A>G (NM_001350916.2); c.-173A>G (NM_001350917.2, NM_001350918.2).
Identifiers: ClinVar variation 789377 (VCV000789377.10), dbSNP rs753716236, ClinGen allele CA4594552.

ClinVar aggregate classification (germline): Likely benign. Review status: criteria provided, multiple submitters, no conflicts (2 of 4 stars). 2 submissions from 2 submitters: Likely benign (2). Last evaluated 2025-04-18.

Conditions:
DYNC2I1-related disorder. Also called: DYNC2I1-related condition.
Short-rib thoracic dysplasia 8 with or without polydactyly (SRTD8). Also called: SHORT-RIB THORACIC DYSPLASIA 8 WITH POLYDACTYLY. Identifiers: Orphanet 93271, MedGen C3809691, MONDO:0014214, OMIM 615503.

Allele frequency attached by ClinVar (database versions not stated): ExAC below 0.00001; gnomAD exomes below 0.00001; gnomAD 0.00001; TOPMed 0.00003.
gnomAD v4.1: 25 of 1,613,890 alleles (0.0015%); highest among the groups gnomAD compares: African/African-American, 0.017%; no homozygotes.

Submissions (2):

PreventionGenetics, part of Exact Sciences
Classification: Likely benign for DYNC2I1-related condition. Last evaluated: 2025-04-18. Review status: criteria provided, single submitter. Criteria: ACMG Guidelines, 2015. Collection method: clinical testing. Allele origin: germline.
Comment: This variant is classified as likely benign based on ACMG/AMP sequence variant interpretation guidelines (Richards et al. 2015 PMID: 25741868, with internal and published modifications).

Labcorp Genetics (formerly Invitae), Labcorp
Classification: Likely benign for Short-rib thoracic dysplasia 8 with or without polydactyly. Last evaluated: 2024-04-29. Review status: criteria provided, single submitter. Criteria: Invitae Variant Classification Sherloc (09022015). Collection method: clinical testing. Allele origin: germline.